The following is an entry in ClinVar:

ClinVar aggregate classification (germline): Uncertain significance (1 of 4 stars; one submission).

Submission:

Labcorp Genetics (formerly Invitae), Labcorp
Classification: Uncertain significance. Last evaluated: 2025-09-10. Review status: criteria provided, single submitter. Criteria: Invitae Variant Classification Sherloc (09022015). Collection method: clinical testing. Allele origin: germline.
Comment: This sequence change replaces cysteine, which is neutral and slightly polar, with tyrosine, which is neutral and polar, at codon 744 of the ERCC6L2 protein (p.Cys744Tyr). This variant is present in population databases (no rsID available, gnomAD 0.02%). This variant has not been reported in the literature in individuals affected with ERCC6L2-related conditions. Experimental studies and prediction algorithms are not available or were not evaluated, and the functional significance of this variant is currently unknown. In summary, the available evidence is currently insufficient to determine the role of this variant in disease. Therefore, it has been classified as a Variant of Uncertain Significance.

NM_020207.7(ERCC6L2):c.2198G>A (p.Cys733Tyr)

Gene: ERCC6L2 (ERCC excision repair 6 like 2; plus strand). Cytogenetic location: 9q22.32.
Variant type: single nucleotide variant.
Coding change: c.2198G>A on transcript NM_020207.7 (MANE Select); coding-DNA position 2198, G replaced by A.
Protein change: p.Cys733Tyr; replaces cysteine 733 with tyrosine.
Molecular consequence: missense variant. On other transcripts: non-coding transcript variant (1).
Genome position (GRCh38, 1-based): chr9:95,971,949, G>A. VCF-style: chr9-95971949-G-A. GRCh37 (hg19) VCF-style: chr9-98734231-G-A.
Other names: c.2198G>A, p.Cys733Tyr (NM_001375291.1, NM_001375292.1, NM_001375293.1 and 1 more transcripts); short protein forms C733Y.
Identifiers: ClinVar variation 4708103 (VCV004708103.1).